The following is an entry in ClinVar:

ClinVar aggregate classification (germline): Uncertain significance (1 of 4 stars; one submission).

Submission:

Labcorp Genetics (formerly Invitae), Labcorp
Classification: Uncertain significance. Last evaluated: 2022-11-01. Review status: criteria provided, single submitter. Criteria: Invitae Variant Classification Sherloc (09022015). Collection method: clinical testing. Allele origin: germline.
Comment: This sequence change replaces alanine, which is neutral and non-polar, with valine, which is neutral and non-polar, at codon 298 of the RHO protein (p.Ala298Val). This variant is not present in population databases (gnomAD no frequency). This variant has not been reported in the literature in individuals affected with RHO-related conditions. Advanced modeling of protein sequence and biophysical properties (such as structural, functional, and spatial information, amino acid conservation, physicochemical variation, residue mobility, and thermodynamic stability) performed at Invitae indicates that this missense variant is not expected to disrupt RHO protein function. This variant disrupts the p.Ala298 amino acid residue in RHO. Other variant(s) that disrupt this residue have been observed in individuals with RHO-related conditions (PMID: 21677794; Invitae), which suggests that this may be a clinically significant amino acid residue. In summary, the available evidence is currently insufficient to determine the role of this variant in disease. Therefore, it has been classified as a Variant of Uncertain Significance.

Literature cited by the submitters: PubMed 21677794.

NM_000539.3(RHO):c.893C>T (p.Ala298Val)

Gene: RHO (rhodopsin; plus strand). Cytogenetic location: 3q22.1.
Variant type: single nucleotide variant.
Coding change: c.893C>T on transcript NM_000539.3 (MANE Select); coding-DNA position 893, C replaced by T.
Protein change: p.Ala298Val; replaces alanine 298 with valine.
Molecular consequence: missense variant.
Genome position (GRCh38, 1-based): chr3:129,532,729, C>T. VCF-style: chr3-129532729-C-T. GRCh37 (hg19) VCF-style: chr3-129251572-C-T.
Other names: short protein forms A298V.
Identifiers: ClinVar variation 2811117 (VCV002811117.3), dbSNP rs1578281089, ClinGen allele CA354470836.
Genomic context (GRCh38, chr3:129,532,729, plus strand): 5'-ACCAGGGCTCCAACTTCGGTCCCATCTTCATGACCATCCCAGCGTTCTTTGCCAAGAGCG[C>T]CGCCATCTACAACCCTGTCATCTATATCATGATGAACAAGCAGGTGCCTACTGCGGGTGG-3'
Protein context (NP_000530.1, residues 288-308): MTIPAFFAKS[Ala298Val]AIYNPVIYIM